The following is an entry in ClinVar:

ClinVar aggregate classification (germline): Likely benign (1 of 4 stars; one submission).

Conditions:
Holoprosencephaly 11 (HPE11). Identifiers: Orphanet 2162, MedGen C3280215, MONDO:0013642, OMIM 614226.

Allele frequency attached by ClinVar (database versions not stated): TOPMed 0.00650; 1000 Genomes Project 30x 0.00312; gnomAD 0.00828; 1000 Genomes Project 0.00240.
gnomAD v4.1: 5,322 of 622,258 alleles (0.86%); highest among the groups gnomAD compares: Non-Finnish European, 0.97%; 30 homozygotes.

Submission:

Illumina Laboratory Services, Illumina
Classification: Likely benign for Holoprosencephaly 11. Last evaluated: 2018-01-12. Review status: criteria provided, single submitter. Criteria: ICSL Variant Classification Criteria 13 December 2019. Collection method: clinical testing. Allele origin: germline.
Comment: This variant was observed in the ICSL laboratory as part of a predisposition screen in an ostensibly healthy population. It had not been previously curated by ICSL or reported in the Human Gene Mutation Database (HGMD: prior to June 1st, 2018), and was therefore a candidate for classification through an automated scoring system. Utilizing variant allele frequency, disease prevalence and penetrance estimates, and inheritance mode, an automated score was calculated to assess if this variant is too frequent to cause the disease. Based on the score and internal cut-off values, a variant classified as likely benign is not then subjected to further curation. The score for this variant resulted in a classification of likely benign for this disease.

NM_001378964.1(CDON):c.*3972C>G

Gene: CDON (cell adhesion associated, oncogene regulated; minus strand). Cytogenetic location: 11q24.2.
Variant type: single nucleotide variant.
Coding change: c.*3972C>G on transcript NM_001378964.1 (MANE Select); 3972 bases downstream of the stop codon, C replaced by G.
Molecular consequence: 3 prime UTR variant.
Genome position (GRCh38, 1-based): chr11:125,956,970, G>C on the plus strand (C>G on the coding strand, the complement: CDON is on the minus strand). VCF-style: chr11-125956970-G-C. GRCh37 (hg19) VCF-style: chr11-125826865-G-C.
Other names: c.*3972C>G (NM_001243597.3, NM_016952.6).
Identifiers: ClinVar variation 303375 (VCV000303375.5), dbSNP rs142923654, ClinGen allele CA10637748.